The following is an entry in ClinVar:

NM_000548.5(TSC2):c.2908T>C (p.Ser970Pro)

Gene: TSC2 (TSC complex subunit 2; plus strand). Cytogenetic location: 16p13.3.
Variant type: single nucleotide variant.
Coding change: c.2908T>C on transcript NM_000548.5 (MANE Select); coding-DNA position 2908, T replaced by C.
Protein change: p.Ser970Pro; replaces serine 970 with proline.
Molecular consequence: missense variant. On other transcripts: intron variant (31).
Genome position (GRCh38, 1-based): chr16:2,077,668, T>C. VCF-style: chr16-2077668-T-C. GRCh37 (hg19) VCF-style: chr16-2127669-T-C.
Other names: c.1493+1083T>C (NM_001406697.1, NM_001406696.1, NM_001406694.1 and 5 more transcripts); c.1235+1083T>C (NM_001406698.1); c.2837+1083T>C (NM_021055.3, NM_001370405.1, NM_001363528.2 and 3 more transcripts); c.2908T>C, p.Ser970Pro (NM_001114382.3, NM_001406663.1, NM_001406664.1); c.2797T>C, p.Ser933Pro (NM_001406670.1); c.2761T>C, p.Ser921Pro (NM_001406675.1, NM_001406676.1); c.2308T>C, p.Ser770Pro (NM_001406680.1, NM_001406682.1, NM_001406683.1 and 1 more transcripts); c.1564T>C, p.Ser522Pro (NM_001406689.1); and 8 more; short protein forms S522P, S970P, S770P, S921P, S933P.
Identifiers: ClinVar variation 3462626 (VCV003462626.1).

ClinVar aggregate classification (germline): Uncertain significance (1 of 4 stars; one submission).

Conditions:
Hereditary cancer-predisposing syndrome. Also called: Tumor predisposition; Neoplastic Syndromes, Hereditary; Hereditary neoplastic syndrome; Hereditary Cancer Syndrome. Identifiers: Orphanet 140162, MedGen C0027672, MeSH D009386, MONDO:0015356.

Submission:

Ambry Genetics
Classification: Uncertain significance for Hereditary cancer-predisposing syndrome. Last evaluated: 2024-09-15. Review status: criteria provided, single submitter. Criteria: Ambry Variant Classification Scheme 2023. Collection method: clinical testing. Allele origin: germline.
Comment: The p.S970P variant (also known as c.2908T>C), located in coding exon 25 of the TSC2 gene, results from a T to C substitution at nucleotide position 2908. The serine at codon 970 is replaced by proline, an amino acid with similar properties. This amino acid position is conserved. In addition, the in silico prediction for this alteration is inconclusive. Based on the available evidence, the clinical significance of this variant remains unclear.